The following is an entry in ClinVar:

ClinVar aggregate classification (germline): Uncertain significance (1 of 4 stars; one submission).

Allele frequency attached by ClinVar (database versions not stated): gnomAD exomes below 0.00001; ExAC 0.00001; gnomAD 0.00001; TOPMed 0.00001.
gnomAD v4.1: 2 of 1,612,820 alleles (0.00012%); highest among the groups gnomAD compares: African/African-American, 0.0013%; no homozygotes.

Submission:

Labcorp Genetics (formerly Invitae), Labcorp
Classification: Uncertain significance. Last evaluated: 2020-04-29. Review status: criteria provided, single submitter. Criteria: Invitae Variant Classification Sherloc (09022015). Collection method: clinical testing. Allele origin: germline.
Comment: This variant has not been reported in the literature in individuals with TRAF3IP1-related conditions. Algorithms developed to predict the effect of missense changes on protein structure and function are either unavailable or do not agree on the potential impact of this missense change (SIFT: "Tolerated"; PolyPhen-2: "Probably Damaging"; Align-GVGD: "Class C0"). In summary, the available evidence is currently insufficient to determine the role of this variant in disease. Therefore, it has been classified as a Variant of Uncertain Significance. This variant is present in population databases (rs747529072, ExAC 0.01%). This sequence change replaces tyrosine with cysteine at codon 606 of the TRAF3IP1 protein (p.Tyr606Cys). The tyrosine residue is highly conserved and there is a large physicochemical difference between tyrosine and cysteine.

NM_015650.4(TRAF3IP1):c.1817A>G (p.Tyr606Cys)

Gene: TRAF3IP1 (TRAF3 interacting protein 1; plus strand). Cytogenetic location: 2q37.3.
Variant type: single nucleotide variant.
Coding change: c.1817A>G on transcript NM_015650.4 (MANE Select); coding-DNA position 1817, A replaced by G.
Protein change: p.Tyr606Cys; replaces tyrosine 606 with cysteine.
Molecular consequence: missense variant.
Genome position (GRCh38, 1-based): chr2:238,397,586, A>G. VCF-style: chr2-238397586-A-G. GRCh37 (hg19) VCF-style: chr2-239306227-A-G.
Other names: c.1619A>G, p.Tyr540Cys (NM_001139490.1); short protein forms Y540C, Y606C.
Identifiers: ClinVar variation 1057643 (VCV001057643.9), dbSNP rs747529072, ClinGen allele CA2198585.